The following is an entry in ClinVar:

ClinVar aggregate classification (germline): Uncertain significance. Review status: criteria provided, multiple submitters, no conflicts (2 of 4 stars). 4 submissions from 4 submitters: Uncertain significance (4). Last evaluated 2025-01-26.

Conditions:
Hereditary cancer-predisposing syndrome. Also called: Tumor predisposition; Hereditary Cancer Syndrome; Hereditary neoplastic syndrome; Neoplastic Syndromes, Hereditary. Identifiers: Orphanet 140162, MedGen C0027672, MeSH D009386, MONDO:0015356.
Hereditary breast ovarian cancer syndrome. Also called: Breast and ovarian cancer; Hereditary breast and ovarian cancer; Hereditary breast and/or ovarian cancer syndrome; BRCA1- and BRCA2-Associated Hereditary Breast and Ovarian Cancer; Hereditary breast and ovarian cancer syndrome (HBOC); Hereditary breast and ovarian cancer syndrome. Identifiers: Orphanet 145, MedGen C0677776, MeSH D061325, MONDO:0003582. Disease mechanism: loss of function.

Submissions (4):

Labcorp Genetics (formerly Invitae), Labcorp
Classification: Uncertain significance for Hereditary breast ovarian cancer syndrome. Last evaluated: 2025-01-26. Review status: criteria provided, single submitter. Criteria: Invitae Variant Classification Sherloc (09022015). Collection method: clinical testing. Allele origin: germline.
Comment: This variant, c.4801_4803del, results in the deletion of 1 amino acid(s) of the BRCA2 protein (p.Asp1601del), but otherwise preserves the integrity of the reading frame. This variant is not present in population databases (gnomAD no frequency). This variant has not been reported in the literature in individuals affected with BRCA2-related conditions. ClinVar contains an entry for this variant (Variation ID: 182316). Experimental studies and prediction algorithms are not available or were not evaluated, and the functional significance of this variant is currently unknown. In summary, the available evidence is currently insufficient to determine the role of this variant in disease. Therefore, it has been classified as a Variant of Uncertain Significance.

Ambry Genetics
Classification: Uncertain significance for Hereditary cancer-predisposing syndrome. Last evaluated: 2025-01-22. Review status: criteria provided, single submitter. Criteria: Ambry Variant Classification Scheme 2023. Collection method: clinical testing. Allele origin: germline.
Comment: The c.4801_4803delGAT variant (also known as p.D1601del) is located in coding exon 10 of the BRCA2 gene. This variant results from an in-frame GAT deletion at nucleotide positions 4801 to 4803. This results in the in-frame deletion of an aspartic acid at codon 1601. This amino acid position is poorly conserved in available vertebrate species. In addition, this alteration is predicted to be neutral by in silico analysis (Choi Y et al. PLoS ONE. 2012; 7(10):e46688). Based on the available evidence, the clinical significance of this variant remains unclear.

Women's Health and Genetics/Laboratory Corporation of America, LabCorp
Classification: Uncertain significance. Last evaluated: 2023-09-11. Review status: criteria provided, single submitter. Criteria: LabCorp Variant Classification Summary - May 2015. Collection method: clinical testing. Allele origin: germline.
Comment: Variant summary: BRCA2 c.4801_4803delGAT (p.Asp1601del) results in an in-frame deletion that is predicted to remove 1 amino acid from the encoded protein. The variant was absent in 250308 control chromosomes (gnomAD). The available data on variant occurrences in the general population are insufficient to allow any conclusion about variant significance. To our knowledge, no occurrence of c.4801_4803delGAT in individuals affected with Hereditary Breast And Ovarian Cancer Syndrome and no experimental evidence demonstrating its impact on protein function have been reported. Three submitters have cited clinical-significance assessments for this variant to ClinVar after 2014. All submitters classified the variant as uncertain significance. Based on the evidence outlined above, the variant was classified as uncertain significance.

GeneDx
Classification: Uncertain significance. Last evaluated: 2016-04-19. Review status: criteria provided, single submitter. Criteria: GeneDx Variant Classification (06012015). Collection method: clinical testing. Allele origin: germline. Affected: yes.
Comment: This in-frame deletion of 3 nucleotides in BRCA2 is denoted c.4801_4803delGAT at the cDNA level and p.Asp1601del at the protein level. The normal sequence, with the bases that are deleted in braces, is TAAT[GAT]AAAAAC. This deletion of a single Aspartic Acid residue occurs at a position that is not conserved across species and is located within the RAD51 and POLH binding domains (Roy 2012, Buisson 2014). This variant has not, to our knowledge, been published in the literature as pathogenic or benign. Since in-frame deletions may or may not inhibit proper protein functioning, the clinical significance of this finding remains unclear at this time and we consider BRCA2 Asp1601del to be a variant of uncertain significance.

NM_000059.4(BRCA2):c.4801_4803del (p.Asp1601del)

Gene: BRCA2 (BRCA2 DNA repair associated; plus strand). Cytogenetic location: 13q13.1.
Variant type: Deletion.
Coding change: c.4801_4803del on transcript NM_000059.4 (MANE Select); coding-DNA positions 4801 to 4803, 3 bases deleted (GAT; older notation c.4801_4803delGAT).
Protein change: p.Asp1601del; deletes aspartic acid 1601.
Molecular consequence: inframe deletion.
Genome position (GRCh38, 1-based): chr13:32,339,156-32,339,158, GAT deleted; deleting any 3 consecutive bases within chr13:32,339,154-32,339,158 gives the same sequence; the c. name uses the placement nearest the transcript's 3' end. VCF-style (leftmost placement, unchanged base first): chr13-32339153-AATG-A. GRCh37 (hg19) VCF-style: chr13-32913290-AATG-A.
Other names: c.4801_4803delGAT (NM_000059.3); short protein forms D1601del.
Identifiers: ClinVar variation 182316 (VCV000182316.15), dbSNP rs730881609, ClinGen allele CA020849.
Genomic context (GRCh38, chr13:32,339,153, plus strand): 5'-TGTGAGACCATTGAGATCACAGCTGCCCCAAAGTGTAAAGAAATGCAGAATTCTCTCAAT[AATG>A]ATAAAAACCTTGTTTCTATTGAGACTGTGGTGCCACCTAAGCTCTTAAGTGATAATTTAT-3'